The following is an entry in ClinVar:

NM_025137.4(SPG11):c.4830dup (p.Gln1611fs)

Gene: SPG11 (SPG11 vesicle trafficking associated, spatacsin; minus strand). Cytogenetic location: 15q21.1.
Variant type: Duplication.
Coding change: c.4830dup on transcript NM_025137.4 (MANE Select); coding-DNA position 4830, one base duplicated (A; older notation c.4830dupA).
Protein change: p.Gln1611fs; shifts the reading frame from glutamine 1611.
Molecular consequence: frameshift variant.
Genome position (GRCh38, 1-based): chr15:44,589,328, T duplicated on the plus strand (A on the coding strand, the reverse complement: SPG11 is on the minus strand). VCF-style (leftmost placement, unchanged base first): chr15-44589327-G-GT. GRCh37 (hg19) VCF-style: chr15-44881525-G-GT.
Other names: c.4830dup, p.Gln1611fs (NM_001160227.2); c.4830dup, p.Gln1611Thrfs (NM_001411132.1); short protein forms Q1611fs.
Identifiers: ClinVar variation 1807116 (VCV001807116.6), dbSNP rs2505324800, ClinGen allele CA2580089488.

ClinVar aggregate classification (germline): Pathogenic. Review status: criteria provided, multiple submitters, no conflicts (2 of 4 stars). 2 submissions from 2 submitters: Pathogenic (2). Last evaluated 2023-12-06.

Conditions:
Hereditary spastic paraplegia 11. Also called: SPASTIC PARAPLEGIA, AUTOSOMAL RECESSIVE, COMPLICATED, WITH THIN CORPUS CALLOSUM; SPASTIC PARAPLEGIA, AUTOSOMAL RECESSIVE, WITH MENTAL IMPAIRMENT AND THIN CORPUS CALLOSUM; Spastic paraplegia, mental retardation and thin corpus callosum; Spastic Paraplegia 11; Nakamura Osame syndrome; Autosomal recessive hereditary spastic paraplegia, mental impairment, and thin corpus callosum. Identifiers: Orphanet 2822, MedGen C1858479, MONDO:0011445, OMIM 604360.

Submissions (2):

Labcorp Genetics (formerly Invitae), Labcorp
Classification: Pathogenic for Hereditary spastic paraplegia 11. Last evaluated: 2023-12-06. Review status: criteria provided, single submitter. Criteria: Invitae Variant Classification Sherloc (09022015). Collection method: clinical testing. Allele origin: germline.
Comment: This sequence change creates a premature translational stop signal (p.Gln1611Thrfs*4) in the SPG11 gene. It is expected to result in an absent or disrupted protein product. Loss-of-function variants in SPG11 are known to be pathogenic (PMID: 19105190, 20110243, 22154821, 26556829). This variant is not present in population databases (gnomAD no frequency). This variant has not been reported in the literature in individuals affected with SPG11-related conditions. ClinVar contains an entry for this variant (Variation ID: 1807116). Algorithms developed to predict the effect of sequence changes on RNA splicing suggest that this variant may disrupt the consensus splice site. For these reasons, this variant has been classified as Pathogenic.

Athena Diagnostics
Classification: Pathogenic. Last evaluated: 2021-12-22. Review status: criteria provided, single submitter. Criteria: Athena Diagnostics Criteria. Collection method: clinical testing. Allele origin: unknown.
Comment: This variant is expected to result in the loss of a functional protein. This variant has not been reported in large, multi-ethnic general populations. This variant has been identified in at least one individual tested at Athena Diagnostics with clinical features associated with this gene.

Literature cited by the submitters: PubMed 19105190 (cited by Labcorp Genetics (formerly Invitae), Labcorp); PubMed 20110243 (cited by Labcorp Genetics (formerly Invitae), Labcorp); PubMed 22154821 (cited by Labcorp Genetics (formerly Invitae), Labcorp); PubMed 26556829 (cited by Labcorp Genetics (formerly Invitae), Labcorp).